The following is an entry in ClinVar:

ClinVar aggregate classification (germline): Uncertain significance (1 of 4 stars; one submission).

gnomAD v4.1: 4 of 1,549,982 alleles (0.00026%); highest among the groups gnomAD compares: East Asian, 0.0024%; no homozygotes.

Submission:

Labcorp Genetics (formerly Invitae), Labcorp
Classification: Uncertain significance. Last evaluated: 2022-03-09. Review status: criteria provided, single submitter. Criteria: Invitae Variant Classification Sherloc (09022015). Collection method: clinical testing. Allele origin: germline.
Comment: This variant has not been reported in the literature in individuals affected with CPLANE1-related conditions. This sequence change replaces aspartic acid, which is acidic and polar, with glycine, which is neutral and non-polar, at codon 735 of the CPLANE1 protein (p.Asp735Gly). This variant is not present in population databases (gnomAD no frequency). Advanced modeling of protein sequence and biophysical properties (such as structural, functional, and spatial information, amino acid conservation, physicochemical variation, residue mobility, and thermodynamic stability) performed at Invitae indicates that this missense variant is not expected to disrupt CPLANE1 protein function. Algorithms developed to predict the effect of sequence changes on RNA splicing suggest that this variant may create or strengthen a splice site. In summary, the available evidence is currently insufficient to determine the role of this variant in disease. Therefore, it has been classified as a Variant of Uncertain Significance.

NM_001384732.1(CPLANE1):c.2204A>G (p.Asp735Gly)

Gene: CPLANE1 (ciliogenesis and planar polarity effector complex subunit 1; minus strand). Cytogenetic location: 5p13.2.
Variant type: single nucleotide variant.
Coding change: c.2204A>G on transcript NM_001384732.1 (MANE Select); coding-DNA position 2204, A replaced by G.
Protein change: p.Asp735Gly; replaces aspartic acid 735 with glycine.
Molecular consequence: missense variant.
Genome position (GRCh38, 1-based): chr5:37,226,391, T>C on the plus strand (A>G on the coding strand, the complement: CPLANE1 is on the minus strand). VCF-style: chr5-37226391-T-C. GRCh37 (hg19) VCF-style: chr5-37226493-T-C.
Other names: c.2204A>G, p.Asp735Gly (NM_023073.4); short protein forms D735G.
Identifiers: ClinVar variation 1385021 (VCV001385021.6), dbSNP rs2150432063, ClinGen allele CA359495166.